The following is an entry in ClinVar:

NM_001048174.2(MUTYH):c.971C>G (p.Thr324Ser)

Gene: MUTYH (mutY DNA glycosylase; minus strand). Cytogenetic location: 1p34.1.
Variant type: single nucleotide variant.
Coding change: c.971C>G on transcript NM_001048174.2 (MANE Select); coding-DNA position 971, C replaced by G.
Protein change: p.Thr324Ser; replaces threonine 324 with serine.
Molecular consequence: missense variant. On other transcripts: non-coding transcript variant (7).
Genome position (GRCh38, 1-based): chr1:45,331,792, G>C on the plus strand (C>G on the coding strand, the complement: MUTYH is on the minus strand). VCF-style: chr1-45331792-G-C. GRCh37 (hg19) VCF-style: chr1-45797464-G-C.
Other names: c.971C>G, p.Thr324Ser (NM_001048171.2, NM_001048173.2, NM_001407070.1 and 6 more transcripts); c.974C>G, p.Thr325Ser (NM_001048172.2, NM_001407071.1, NM_001407078.1 and 1 more transcripts); c.887C>G, p.Thr296Ser (NM_001407075.1); c.1004C>G, p.Thr335Ser (NM_001407077.1, NM_001293191.2, NM_001407069.1); c.932C>G, p.Thr311Ser (NM_001407079.1); c.929C>G, p.Thr310Ser (NM_001407080.1); c.1055C>G, p.Thr352Ser (NM_001128425.2); c.1016C>G, p.Thr339Ser (NM_001293190.2); and 5 more; short protein forms T232S, T296S, T325S, T335S, T338S, T349S, T310S, T324S.
Identifiers: ClinVar variation 4112970 (VCV004112970.1).

ClinVar aggregate classification (germline): Uncertain significance (1 of 4 stars; one submission).

Conditions:
Hereditary cancer-predisposing syndrome. Also called: Tumor predisposition; Neoplastic Syndromes, Hereditary; Hereditary neoplastic syndrome; Hereditary Cancer Syndrome. Identifiers: Orphanet 140162, MedGen C0027672, MeSH D009386, MONDO:0015356.

Submission:

Ambry Genetics
Classification: Uncertain significance for Hereditary cancer-predisposing syndrome. Last evaluated: 2025-08-27. Review status: criteria provided, single submitter. Criteria: Ambry Variant Classification Scheme 2023. Collection method: clinical testing. Allele origin: germline.
Comment: The p.T352S variant (also known as c.1055C>G), located in coding exon 12 of the MUTYH gene, results from a C to G substitution at nucleotide position 1055. The threonine at codon 352 is replaced by serine, an amino acid with similar properties. This amino acid position is conserved. In addition, this alteration is predicted to be tolerated by in silico analysis. Based on the available evidence, the clinical significance of this variant remains unclear.